The following is an entry in ClinVar:

ClinVar aggregate classification (germline): Uncertain significance. Review status: criteria provided, multiple submitters, no conflicts (2 of 4 stars). 2 submissions from 2 submitters: Uncertain significance (2). Last evaluated 2023-06-04.

Conditions:
Hereditary cancer-predisposing syndrome. Also called: Hereditary neoplastic syndrome; Tumor predisposition; Neoplastic Syndromes, Hereditary; Hereditary Cancer Syndrome. Identifiers: Orphanet 140162, MedGen C0027672, MeSH D009386, MONDO:0015356.
Neuroblastoma, susceptibility to, 3. Also called: ALK-Related Neuroblastic Tumor Susceptibility. Identifiers: Orphanet 635, MedGen C2751681, MONDO:0013083, OMIM 613014.

Submissions (2):

Labcorp Genetics (formerly Invitae), Labcorp
Classification: Uncertain significance for Neuroblastoma, susceptibility to, 3. Last evaluated: 2023-06-04. Review status: criteria provided, single submitter. Criteria: Invitae Variant Classification Sherloc (09022015). Collection method: clinical testing. Allele origin: germline.
Comment: This variant has not been reported in the literature in individuals affected with ALK-related conditions. ClinVar contains an entry for this variant (Variation ID: 2452128). An algorithm developed to predict the effect of missense changes on protein structure and function (PolyPhen-2) suggests that this variant is likely to be tolerated. This sequence change replaces leucine, which is neutral and non-polar, with isoleucine, which is neutral and non-polar, at codon 1083 of the ALK protein (p.Leu1083Ile). This variant is not present in population databases (gnomAD no frequency). In summary, the available evidence is currently insufficient to determine the role of this variant in disease. Therefore, it has been classified as a Variant of Uncertain Significance.

Ambry Genetics
Classification: Uncertain significance for Hereditary cancer-predisposing syndrome. Last evaluated: 2023-02-08. Review status: criteria provided, single submitter. Criteria: Ambry Variant Classification Scheme 2023. Collection method: clinical testing. Allele origin: germline.
Comment: The p.L1083I variant (also known as c.3247C>A), located in coding exon 20 of the ALK gene, results from a C to A substitution at nucleotide position 3247. The leucine at codon 1083 is replaced by isoleucine, an amino acid with highly similar properties. This amino acid position is conserved. In addition, this alteration is predicted to be tolerated by in silico analysis. Since supporting evidence is limited at this time, the clinical significance of this alteration remains unclear.

NM_004304.5(ALK):c.3247C>A (p.Leu1083Ile)

Gene: ALK (ALK receptor tyrosine kinase; minus strand). Cytogenetic location: 2p23.2.
Variant type: single nucleotide variant.
Coding change: c.3247C>A on transcript NM_004304.5 (MANE Select); coding-DNA position 3247, C replaced by A.
Protein change: p.Leu1083Ile; replaces leucine 1083 with isoleucine.
Molecular consequence: missense variant.
Genome position (GRCh38, 1-based): chr2:29,223,454, G>T on the plus strand (C>A on the coding strand, the complement: ALK is on the minus strand). VCF-style: chr2-29223454-G-T. GRCh37 (hg19) VCF-style: chr2-29446320-G-T.
Other names: c.43C>A, p.Leu15Ile (NM_001353765.2); short protein forms L1083I, L15I.
Identifiers: ClinVar variation 2452128 (VCV002452128.5), dbSNP rs1335062401, ClinGen allele CA346465242.
Genomic context (GRCh38, chr2:29,223,454, plus strand): 5'-AGGTCTTGCCAGCAAAGCAGTAGTTGGGGTTGTAGTCGGTCATGATGGTCGAGGTGCGGA[G>T]CTTGCTCAGCTTGTACTCAGGGCTCTGCAGCTCCATCTGCATGGCTTGCAGCTCCTGGTG-3'
Protein context (NP_004295.2, residues 1073-1093): LQSPEYKLSK[Leu1083Ile]RTSTIMTDYN